The following is an entry in ClinVar:

NM_182914.3(SYNE2):c.10556A>G (p.Glu3519Gly)

Gene: SYNE2 (spectrin repeat containing nuclear envelope protein 2; plus strand). Cytogenetic location: 14q23.2.
Variant type: single nucleotide variant.
Coding change: c.10556A>G on transcript NM_182914.3 (MANE Select); coding-DNA position 10556, A replaced by G.
Protein change: p.Glu3519Gly; replaces glutamic acid 3519 with glycine.
Molecular consequence: missense variant.
Genome position (GRCh38, 1-based): chr14:64,070,769, A>G. VCF-style: chr14-64070769-A-G. GRCh37 (hg19) VCF-style: chr14-64537487-A-G.
Other names: c.10556A>G, p.Glu3519Gly (NM_015180.6); c.10556A>G (NM_182914.2); short protein forms E3519G.
Identifiers: ClinVar variation 1499112 (VCV001499112.8), dbSNP rs75146753, ClinGen allele CA7221546.

ClinVar aggregate classification (germline): Uncertain significance. Review status: criteria provided, multiple submitters, no conflicts (2 of 4 stars). 4 submissions from 4 submitters: Uncertain significance (3). 1 of the submissions does not count toward it. Last evaluated 2023-12-19.

Conditions:
SYNE2-related disorder. Also called: SYNE2-related condition.
Emery-Dreifuss muscular dystrophy 5, autosomal dominant (EDMD5). Also called: EMERY-DREIFUSS MUSCULAR DYSTROPHY 5. Identifiers: Orphanet 261, MedGen C2751805, MONDO:0013072, OMIM 612999.

Allele frequency attached by ClinVar (database versions not stated): gnomAD exomes below 0.00001 and 0.00003; ExAC 0.00002; TOPMed 0.00002; gnomAD 0.00003 and 0.00004.
gnomAD v4.1: 11 of 1,614,114 alleles (0.00068%); highest among the groups gnomAD compares: East Asian, 0.025%; no homozygotes.

Submissions (4):

Ambry Genetics
Classification: Uncertain significance. Last evaluated: 2023-12-19. Review status: criteria provided, single submitter. Criteria: Ambry Variant Classification Scheme 2023. Collection method: clinical testing. Allele origin: germline.

Labcorp Genetics (formerly Invitae), Labcorp
Classification: Uncertain significance for Emery-Dreifuss muscular dystrophy 5, autosomal dominant. Last evaluated: 2022-03-02. Review status: criteria provided, single submitter. Criteria: Invitae Variant Classification Sherloc (09022015). Collection method: clinical testing. Allele origin: germline.
Comment: This sequence change replaces glutamic acid, which is acidic and polar, with glycine, which is neutral and non-polar, at codon 3519 of the SYNE2 protein (p.Glu3519Gly). This variant is present in population databases (rs75146753, gnomAD 0.06%), and has an allele count higher than expected for a pathogenic variant. This variant has not been reported in the literature in individuals affected with SYNE2-related conditions. Algorithms developed to predict the effect of missense changes on protein structure and function (SIFT, PolyPhen-2, Align-GVGD) all suggest that this variant is likely to be tolerated. In summary, the available evidence is currently insufficient to determine the role of this variant in disease. Therefore, it has been classified as a Variant of Uncertain Significance.

Revvity Omics, Revvity
Classification: Uncertain significance for Emery-Dreifuss muscular dystrophy 5, autosomal dominant. Last evaluated: 2021-03-05. Review status: criteria provided, single submitter. Criteria: ACMG Guidelines, 2015. Collection method: clinical testing. Allele origin: germline.

PreventionGenetics, part of Exact Sciences
Classification: Uncertain significance for SYNE2-related condition. Last evaluated: 2024-09-11. Review status: no assertion criteria provided. Collection method: clinical testing. Allele origin: germline. Not counted in ClinVar's aggregate classification.
Comment: The SYNE2 c.10556A>G variant is predicted to result in the amino acid substitution p.Glu3519Gly. To our knowledge, this variant has not been reported in the literature. This variant is reported in 0.061% of alleles in individuals of East Asian descent in gnomAD, which may be too frequent to be a primary cause of disease. Although we suspect this variant may be benign, at this time, the clinical significance of this variant is uncertain due to the absence of conclusive functional and genetic evidence.